The following is an entry in ClinVar:

NM_001256789.3(CACNA1F):c.3236+3G>A

Gene: CACNA1F (calcium voltage-gated channel subunit alpha1 F; minus strand). Cytogenetic location: Xp11.23.
Variant type: single nucleotide variant.
Coding change: c.3236+3G>A on transcript NM_001256789.3 (MANE Select); 3 bases into the intron after coding-DNA position 3236, G replaced by A.
Molecular consequence: intron variant.
Genome position (GRCh38, 1-based): chrX:49,216,379, C>T on the plus strand (G>A on the coding strand, the complement: CACNA1F is on the minus strand). VCF-style: chrX-49216379-C-T. GRCh37 (hg19) VCF-style: chrX-49072839-C-T.
Other names: c.3269+3G>A (NM_005183.4); c.3074+3G>A (NM_001256790.3).
Identifiers: ClinVar variation 636158 (VCV000636158.14), dbSNP rs199932603, ClinGen allele CA10410512.

ClinVar aggregate classification (germline): Conflicting classifications of pathogenicity. Review status: criteria provided, conflicting classifications (1 of 4 stars). 6 submissions from 6 submitters: Uncertain significance (2); Likely benign (3). 1 of the submissions does not count toward it. Last evaluated 2026-08-04.

Conditions:
CACNA1F-related disorder. Also called: CACNA1F-related condition.
Retinal dystrophy. Also called: Inherited retinal dystrophy. Identifiers: Orphanet 71862, MedGen C0854723, MeSH D058499, MONDO:0019118, HP:0000556.
Macular dystrophy. Identifiers: MedGen C0730292, HP:0007754.

Allele frequency attached by ClinVar (database versions not stated): ExAC 0.00017; gnomAD 0.00019; gnomAD exomes 0.00020 and 0.00012; 1000 Genomes Project 30x 0.00021; 1000 Genomes Project 0.00026; ESP Exome Variant Server 0.00066; TOPMed 0.00013.
gnomAD v4.1: 239 of 1,209,324 alleles (0.02%); highest among the groups gnomAD compares: Non-Finnish European, 0.025%; no homozygotes.

Submissions (6):

PreventionGenetics, part of Exact Sciences
Classification: Likely benign for CACNA1F-related condition. Last evaluated: 2026-08-04. Review status: criteria provided, single submitter. Criteria: ACMG Guidelines, 2015. Collection method: clinical testing. Allele origin: germline.
Comment: This variant is classified as likely benign based on ACMG/AMP sequence variant interpretation guidelines (Richards et al. 2015 PMID: 25741868, with internal and published modifications).

Labcorp Genetics (formerly Invitae), Labcorp
Classification: Uncertain significance. Last evaluated: 2025-08-13. Review status: criteria provided, single submitter. Criteria: Invitae Variant Classification Sherloc (09022015). Collection method: clinical testing. Allele origin: germline.
Comment: This sequence change falls in intron 27 of the CACNA1F gene. It does not directly change the encoded amino acid sequence of the CACNA1F protein. It affects a nucleotide within the consensus splice site. This variant is present in population databases (rs199932603, gnomAD 0.02%). This variant has been observed in individual(s) with macular dystrophy (PMID: 30718709). ClinVar contains an entry for this variant (Variation ID: 636158). Variants that disrupt the consensus splice site are a relatively common cause of aberrant splicing (PMID: 17576681, 9536098). Algorithms developed to predict the effect of sequence changes on RNA splicing suggest that this variant is not likely to affect RNA splicing. In summary, the available evidence is currently insufficient to determine the role of this variant in disease. Therefore, it has been classified as a Variant of Uncertain Significance.

Blueprint Genetics
Classification: Likely benign. Last evaluated: 2024-05-17. Review status: criteria provided, single submitter. Criteria: ACMG Guidelines, 2015. Collection method: clinical testing. Allele origin: germline.

Institute of Human Genetics, Univ. Regensburg, Univ. Regensburg
Classification: Uncertain significance for Retinal dystrophy. Last evaluated: 2023-01-01. Review status: criteria provided, single submitter. Criteria: ACMG Guidelines, 2015. Collection method: clinical testing. Allele origin: germline. Affected: yes.

GeneDx
Classification: Likely benign. Last evaluated: 2015-03-03. Review status: criteria provided, single submitter. Criteria: GeneDx Variant Classification Process June 2021. Collection method: clinical testing. Allele origin: germline. Affected: yes.

Department of Clinical Genetics, Copenhagen University Hospital, Rigshospitalet
Classification: Uncertain significance for Macular dystrophy. Last evaluated: 2018-04-01. Review status: no assertion criteria provided. Collection method: research. Allele origin: unknown. Affected: yes. Study: VeluxRD. Not counted in ClinVar's aggregate classification.

Literature cited by the submitters: PubMed 30718709 (cited by 3 submitters); PubMed 17576681 (cited by Labcorp Genetics (formerly Invitae), Labcorp); PubMed 9536098 (cited by Labcorp Genetics (formerly Invitae), Labcorp).